The following is an entry in ClinVar:

ClinVar aggregate classification (germline): Uncertain significance (1 of 4 stars; one submission).

Conditions:
Deficiency of malonyl-CoA decarboxylase. Also called: Malonic aciduria; MCD deficiency. Identifiers: Orphanet 943, MedGen C0342793, MONDO:0009556, OMIM 248360.

Submission:

Labcorp Genetics (formerly Invitae), Labcorp
Classification: Uncertain significance for Deficiency of malonyl-CoA decarboxylase. Last evaluated: 2024-10-20. Review status: criteria provided, single submitter. Criteria: Invitae Variant Classification Sherloc (09022015). Collection method: clinical testing. Allele origin: germline.
Comment: This sequence change replaces aspartic acid, which is acidic and polar, with asparagine, which is neutral and polar, at codon 148 of the MLYCD protein (p.Asp148Asn). This variant is present in population databases (rs768956579, gnomAD 0.003%). This variant has not been reported in the literature in individuals affected with MLYCD-related conditions. An algorithm developed to predict the effect of missense changes on protein structure and function (PolyPhen-2) suggests that this variant¬†is likely to be tolerated. In summary, the available evidence is currently insufficient to determine the role of this variant in disease. Therefore, it has been classified as a Variant of Uncertain Significance.

NM_012213.3(MLYCD):c.442G>A (p.Asp148Asn)

Gene: MLYCD (malonyl-CoA decarboxylase; plus strand). Cytogenetic location: 16q23.3.
Variant type: single nucleotide variant.
Coding change: c.442G>A on transcript NM_012213.3 (MANE Select); coding-DNA position 442, G replaced by A.
Protein change: p.Asp148Asn; replaces aspartic acid 148 with asparagine.
Molecular consequence: missense variant.
Genome position (GRCh38, 1-based): chr16:83,899,586, G>A. VCF-style: chr16-83899586-G-A. GRCh37 (hg19) VCF-style: chr16-83933191-G-A.
Other names: short protein forms D148N.
Identifiers: ClinVar variation 3621881 (VCV003621881.1).